The following is an entry in ClinVar:

ClinVar aggregate classification (germline): Uncertain significance. Review status: criteria provided, multiple submitters, no conflicts (2 of 4 stars). 2 submissions from 2 submitters: Uncertain significance (2). Last evaluated 2022-10-05.

Allele frequency attached by ClinVar (database versions not stated): gnomAD 0.00001; gnomAD exomes 0.00001; TOPMed 0.00003.
gnomAD v4.1: 16 of 1,613,974 alleles (0.00099%); highest among the groups gnomAD compares: Admixed American, 0.0067%; no homozygotes.

Submissions (2):

Labcorp Genetics (formerly Invitae), Labcorp
Classification: Uncertain significance. Last evaluated: 2022-10-05. Review status: criteria provided, single submitter. Criteria: Invitae Variant Classification Sherloc (09022015). Collection method: clinical testing. Allele origin: germline.
Comment: This sequence change replaces arginine, which is basic and polar, with cysteine, which is neutral and slightly polar, at codon 894 of the CNGB1 protein (p.Arg894Cys). This variant is present in population databases (no rsID available, gnomAD 0.006%). This variant has not been reported in the literature in individuals affected with CNGB1-related conditions. ClinVar contains an entry for this variant (Variation ID: 1036011). Advanced modeling of protein sequence and biophysical properties (such as structural, functional, and spatial information, amino acid conservation, physicochemical variation, residue mobility, and thermodynamic stability) performed at Invitae indicates that this missense variant is expected to disrupt CNGB1 protein function. In summary, the available evidence is currently insufficient to determine the role of this variant in disease. Therefore, it has been classified as a Variant of Uncertain Significance.

Blueprint Genetics
Classification: Uncertain significance. Last evaluated: 2021-12-27. Review status: criteria provided, single submitter. Criteria: ACMG Guidelines, 2015. Collection method: clinical testing. Allele origin: germline.

NM_001297.5(CNGB1):c.2680C>T (p.Arg894Cys)

Gene: CNGB1 (cyclic nucleotide gated channel subunit beta 1; minus strand). Cytogenetic location: 16q21.
Variant type: single nucleotide variant.
Coding change: c.2680C>T on transcript NM_001297.5 (MANE Select); coding-DNA position 2680, C replaced by T.
Protein change: p.Arg894Cys; replaces arginine 894 with cysteine.
Molecular consequence: missense variant.
Genome position (GRCh38, 1-based): chr16:57,903,936, G>A on the plus strand (C>T on the coding strand, the complement: CNGB1 is on the minus strand). VCF-style: chr16-57903936-G-A. GRCh37 (hg19) VCF-style: chr16-57937840-G-A.
Other names: c.2662C>T, p.Arg888Cys (NM_001286130.2); short protein forms R888C, R894C.
Identifiers: ClinVar variation 1036011 (VCV001036011.7), dbSNP rs1307817307, ClinGen allele CA396057993.
Genomic context (GRCh38, chr16:57,903,936, plus strand): 5'-GCACGGACTTGGGGATCTTGTAGAAATTCATGTACTTCACCGTGCTGTCCATGCAGCTGC[G>A]GTAGTAGGTCTGTCCGGCGGTGGCGGCCCCTACCACATCTCTCATCTGGGGGAAGGGTTA-3'
Protein context (NP_001288.3, residues 884-904): GAATAGQTYY[Arg894Cys]SCMDSTVKYM